The following is an entry in ClinVar:

NM_004036.5(ADCY3):c.2181T>C (p.Cys727=)

Gene: ADCY3 (adenylate cyclase 3; minus strand). Cytogenetic location: 2p23.3.
Variant type: single nucleotide variant.
Coding change: c.2181T>C on transcript NM_004036.5 (MANE Select); coding-DNA position 2181, T replaced by C.
Protein change: p.Cys727=; no amino-acid change (cysteine 727 retained).
Molecular consequence: synonymous variant. On other transcripts: intron variant (2).
Genome position (GRCh38, 1-based): chr2:24,828,153, A>G on the plus strand (T>C on the coding strand, the complement: ADCY3 is on the minus strand). VCF-style: chr2-24828153-A-G. GRCh37 (hg19) VCF-style: chr2-25051022-A-G.
Other names: c.2181T>C, p.Cys727= (NM_001320613.2, NM_001377132.1); c.2247T>C, p.Cys749= (NM_001377128.1); c.1458T>C, p.Cys486= (NM_001377131.1); c.2172+2556T>C (NM_001377130.1); c.2173-130T>C (NM_001377129.1).
Identifiers: ClinVar variation 4983521 (VCV004983521.1).
Genomic context (GRCh38, chr2:24,828,153, plus strand): 5'-GCAGCTGCCCTCCGTTTCCATCCCTGCCGTTGCATTGCTGGGTCCCGTGTAGTACTGGAG[A>G]CAGCTGAGCTGGAGGCCAGGACGGCGGGCAGGGACACACGTTCAAGAGAACAGCAGGTGC-3'
Protein context (NP_004027.2, residues 717-737): VMANVVDMLS[Cys727=]LQYYTGPSNA

ClinVar aggregate classification (germline): Likely benign (1 of 4 stars; one submission).

Conditions:
ADCY3-related disorder. Also called: ADCY3-related condition.

gnomAD v4.1: 13 of 1,613,278 alleles (0.00081%); highest among the groups gnomAD compares: Non-Finnish European, 0.0011%; no homozygotes.

Submission:

PreventionGenetics, part of Exact Sciences
Classification: Likely benign for ADCY3-related condition. Last evaluated: 2024-12-26. Review status: criteria provided, single submitter. Criteria: ACMG Guidelines, 2015. Collection method: clinical testing. Allele origin: germline.
Comment: This variant is classified as likely benign based on ACMG/AMP sequence variant interpretation guidelines (Richards et al. 2015 PMID: 25741868, with internal and published modifications).